The following is an entry in ClinVar:

ClinVar aggregate classification (germline): Conflicting classifications of pathogenicity. Review status: criteria provided, conflicting classifications (1 of 4 stars). 8 submissions from 8 submitters: Uncertain significance (6); Likely benign (1). 1 of the submissions does not count toward it. Last evaluated 2025-11-17.

Conditions:
AP4M1-related disorder. Also called: AP4M1-related condition.
Hereditary spastic paraplegia 50 (SPG50). Also called: Spastic paraplegia 50, autosomal recessive. Identifiers: Orphanet 280763, MedGen C2752008, MONDO:0013048, OMIM 612936.

Allele frequency attached by ClinVar (database versions not stated): ESP Exome Variant Server 0.00038; gnomAD exomes 0.00056; 1000 Genomes Project 0.00060; ExAC 0.00060; gnomAD 0.00060 and 0.00066; 1000 Genomes Project 30x 0.00062; TOPMed 0.00071.
gnomAD v4.1: 916 of 1,613,266 alleles (0.057%); highest among the groups gnomAD compares: Non-Finnish European, 0.061%; no homozygotes.

Submissions (8):

Labcorp Genetics (formerly Invitae), Labcorp
Classification: Likely benign for Hereditary spastic paraplegia 50. Last evaluated: 2025-11-17. Review status: criteria provided, single submitter. Criteria: Invitae Variant Classification Sherloc (09022015). Collection method: clinical testing. Allele origin: germline.

Blueprint Genetics
Classification: Uncertain significance. Last evaluated: 2024-09-30. Review status: criteria provided, single submitter. Criteria: ACMG Guidelines, 2015. Collection method: clinical testing. Allele origin: germline.

GeneDx
Classification: Uncertain significance. Last evaluated: 2024-02-06. Review status: criteria provided, single submitter. Criteria: GeneDx Variant Classification Process June 2021. Collection method: clinical testing. Allele origin: germline. Affected: yes.
Comment: In silico analysis supports that this missense variant has a deleterious effect on protein structure/function; Has not been previously published as pathogenic or benign to our knowledge

CeGaT Center for Human Genetics Tuebingen
Classification: Uncertain significance. Last evaluated: 2023-02-01. Review status: criteria provided, single submitter. Criteria: CeGaT Center For Human Genetics Tuebingen Variant Classification Criteria Version 2. Collection method: clinical testing. Allele origin: germline. Affected: yes. Observed: 1 variant allele.
Comment: AP4M1: PM2

Mayo Clinic Laboratories, Mayo Clinic
Classification: Uncertain significance. Last evaluated: 2020-11-12. Review status: criteria provided, single submitter. Criteria: ACMG Guidelines, 2015. Collection method: clinical testing. Allele origin: germline. Observed: 1 variant allele.

Baylor Genetics
Classification: Uncertain significance for Hereditary spastic paraplegia 50. Last evaluated: 2018-07-24. Review status: criteria provided, single submitter. Criteria: ACMG Guidelines, 2015. Collection method: clinical testing. Allele origin: unknown. Affected: yes.
Comment: This variant was determined to be of uncertain significance according to ACMG Guidelines, 2015 [PMID:25741868].

Genetic Services Laboratory, University of Chicago
Classification: Uncertain significance. Last evaluated: 2014-05-08. Review status: criteria provided, single submitter. Criteria: ACMG Guidelines, 2015. Collection method: clinical testing. Allele origin: germline.

PreventionGenetics, part of Exact Sciences
Classification: Likely benign for AP4M1-related condition. Last evaluated: 2023-07-27. Review status: no assertion criteria provided. Collection method: clinical testing. Allele origin: germline. Not counted in ClinVar's aggregate classification.
Comment: This variant is classified as likely benign based on ACMG/AMP sequence variant interpretation guidelines (Richards et al. 2015 PMID: 25741868, with internal and published modifications).

NM_004722.4(AP4M1):c.333A>C (p.Glu111Asp)

Gene: AP4M1 (adaptor related protein complex 4 subunit mu 1; plus strand). Cytogenetic location: 7q22.1.
Variant type: single nucleotide variant.
Coding change: c.333A>C on transcript NM_004722.4 (MANE Select); coding-DNA position 333, A replaced by C.
Protein change: p.Glu111Asp; replaces glutamic acid 111 with aspartic acid.
Molecular consequence: missense variant.
Genome position (GRCh38, 1-based): chr7:100,102,942, A>C. VCF-style: chr7-100102942-A-C. GRCh37 (hg19) VCF-style: chr7-99700565-A-C.
Other names: c.354A>C, p.Glu118Asp (NM_001363671.2); short protein forms E111D, E118D.
Identifiers: ClinVar variation 210212 (VCV000210212.53), dbSNP rs138437966, ClinGen allele CA209697.